The following is an entry in ClinVar:

ClinVar aggregate classification (germline): Uncertain significance (1 of 4 stars; one submission).

Submission:

Greenwood Genetic Center Diagnostic Laboratories, Greenwood Genetic Center
Classification: Uncertain significance. Last evaluated: 2025-11-05. Review status: criteria provided, single submitter. Criteria: ACMG Guidelines, 2015. Collection method: clinical testing. Allele origin: germline. Affected: yes.
Comment: Gene of Uncertain Significance

NM_020307.4(CCNL1):c.1574G>A (p.Arg525Lys)

Gene: CCNL1 (cyclin L1; minus strand). Cytogenetic location: 3q25.31.
Variant type: single nucleotide variant.
Coding change: c.1574G>A on transcript NM_020307.4 (MANE Select); coding-DNA position 1574, G replaced by A.
Protein change: p.Arg525Lys; replaces arginine 525 with lysine.
Molecular consequence: missense variant. On other transcripts: intron variant (1).
Genome position (GRCh38, 1-based): chr3:157,148,248, C>T on the plus strand (G>A on the coding strand, the complement: CCNL1 is on the minus strand). VCF-style: chr3-157148248-C-T. GRCh37 (hg19) VCF-style: chr3-156866037-C-T.
Other names: c.1232+1039G>A (NM_001308185.2); short protein forms R525K.
Identifiers: ClinVar variation 4845442 (VCV004845442.1).